The following is an entry in ClinVar:

ClinVar aggregate classification (germline): Uncertain significance (1 of 4 stars; one submission).

Conditions:
Hereditary cancer-predisposing syndrome. Also called: Neoplastic Syndromes, Hereditary; Tumor predisposition; Hereditary Cancer Syndrome; Hereditary neoplastic syndrome. Identifiers: Orphanet 140162, MedGen C0027672, MeSH D009386, MONDO:0015356.

Submission:

Ambry Genetics
Classification: Uncertain significance for Hereditary cancer-predisposing syndrome. Last evaluated: 2025-11-01. Review status: criteria provided, single submitter. Criteria: Ambry Variant Classification Scheme 2023. Collection method: clinical testing. Allele origin: germline.
Comment: The p.A942T variant (also known as c.2824G>A), located in coding exon 21 of the MSH3 gene, results from a G to A substitution at nucleotide position 2824. The alanine at codon 942 is replaced by threonine, an amino acid with similar properties. This amino acid position is conserved. In addition, this alteration is predicted to be tolerated by in silico analysis. Based on the available evidence, the clinical significance of this variant remains unclear.

NM_002439.5(MSH3):c.2824G>A (p.Ala942Thr)

Gene: MSH3 (mutS homolog 3; plus strand). Cytogenetic location: 5q14.1.
Variant type: single nucleotide variant.
Coding change: c.2824G>A on transcript NM_002439.5 (MANE Select); coding-DNA position 2824, G replaced by A.
Protein change: p.Ala942Thr; replaces alanine 942 with threonine.
Molecular consequence: missense variant.
Genome position (GRCh38, 1-based): chr5:80,854,140, G>A. VCF-style: chr5-80854140-G-A. GRCh37 (hg19) VCF-style: chr5-80149959-G-A.
Other names: short protein forms A942T.
Identifiers: ClinVar variation 4654684 (VCV004654684.1).